The following is an entry in ClinVar:

NM_001163809.2(WDR81):c.4758G>T (p.Ser1586=)

Gene: WDR81 (WD repeat domain 81; plus strand). Cytogenetic location: 17p13.3.
Variant type: single nucleotide variant.
Coding change: c.4758G>T on transcript NM_001163809.2 (MANE Select); coding-DNA position 4758, G replaced by T.
Protein change: p.Ser1586=; no amino-acid change (serine 1586 retained).
Molecular consequence: synonymous variant.
Genome position (GRCh38, 1-based): chr17:1,733,795, G>T. VCF-style: chr17-1733795-G-T. GRCh37 (hg19) VCF-style: chr17-1637089-G-T.
Other names: c.1149G>T, p.Ser383= (NM_001163673.2); c.1077G>T, p.Ser359= (NM_001163811.2); c.1605G>T, p.Ser535= (NM_152348.4).
Identifiers: ClinVar variation 4822261 (VCV004822261.4).

ClinVar aggregate classification (germline): Likely benign (1 of 4 stars; one submission).

gnomAD v4.1: 2 of 1,612,124 alleles (0.00012%); no homozygotes.

Submission:

CeGaT Center for Human Genetics Tuebingen
Classification: Likely benign. Last evaluated: 2026-01-01. Review status: criteria provided, single submitter. Criteria: CeGaT Center For Human Genetics Tuebingen Variant Classification Criteria Version 2. Collection method: clinical testing. Allele origin: germline. Affected: yes. Observed: 1 variant allele.
Comment: WDR81: BP4, BP7